The following is an entry in ClinVar:

NM_001122630.2(CDKN1C):c.260G>A (p.Gly87Glu)

Gene: CDKN1C (cyclin dependent kinase inhibitor 1C; minus strand). Cytogenetic location: 11p15.4.
Variant type: single nucleotide variant.
Coding change: c.260G>A on transcript NM_001122630.2 (MANE Select); coding-DNA position 260, G replaced by A.
Protein change: p.Gly87Glu; replaces glycine 87 with glutamic acid.
Molecular consequence: missense variant. On other transcripts: intron variant (1).
Genome position (GRCh38, 1-based): chr11:2,885,197, C>T on the plus strand (G>A on the coding strand, the complement: CDKN1C is on the minus strand). VCF-style: chr11-2885197-C-T. GRCh37 (hg19) VCF-style: chr11-2906427-C-T.
Other names: c.293G>A, p.Gly98Glu (NM_000076.2, NM_001362474.2); c.260G>A, p.Gly87Glu (NM_001122631.2); c.255+5G>A (NM_001362475.2); short protein forms G98E, G87E.
Identifiers: ClinVar variation 1382138 (VCV001382138.8), dbSNP rs1398439636, ClinGen allele CA379147049.

ClinVar aggregate classification (germline): Uncertain significance (1 of 4 stars; one submission).

Conditions:
Beckwith-Wiedemann syndrome (BWS). Also called: Exomphalos macroglossia gigantism syndrome; EMG SYNDROME. Identifiers: Orphanet 116, MedGen C0004903, MONDO:0007534, OMIM 130650.

Allele frequency attached by ClinVar (database versions not stated): TOPMed below 0.00001; gnomAD 0.00001; gnomAD exomes 0.00001.
gnomAD v4.1: 9 of 1,537,744 alleles (0.00059%); highest among the groups gnomAD compares: East Asian, 0.0025%; no homozygotes.

Submission:

Labcorp Genetics (formerly Invitae), Labcorp
Classification: Uncertain significance for Beckwith-Wiedemann syndrome. Last evaluated: 2021-03-29. Review status: criteria provided, single submitter. Criteria: Invitae Variant Classification Sherloc (09022015). Collection method: clinical testing. Allele origin: germline.
Comment: In summary, the available evidence is currently insufficient to determine the role of this variant in disease. Therefore, it has been classified as a Variant of Uncertain Significance. Algorithms developed to predict the effect of missense changes on protein structure and function are either unavailable or do not agree on the potential impact of this missense change (SIFT: "Tolerated"; PolyPhen-2: "Probably Damaging"; Align-GVGD: "Class C0"). This variant has not been reported in the literature in individuals with CDKN1C-related conditions. The frequency data for this variant in the population databases is considered unreliable, as metrics indicate insufficient coverage at this position in the ExAC database. This sequence change replaces glycine with glutamic acid at codon 98 of the CDKN1C protein (p.Gly98Glu). The glycine residue is moderately conserved and there is a moderate physicochemical difference between glycine and glutamic acid.